The following is an entry in ClinVar:

NM_001145252.3(CFP):c.356C>T (p.Thr119Ile)

Gene: CFP (complement factor properdin; minus strand). Cytogenetic location: Xp11.23.
Variant type: single nucleotide variant.
Coding change: c.356C>T on transcript NM_001145252.3 (MANE Select); coding-DNA position 356, C replaced by T.
Protein change: p.Thr119Ile; replaces threonine 119 with isoleucine.
Molecular consequence: missense variant.
Genome position (GRCh38, 1-based): chrX:47,628,149, G>A on the plus strand (C>T on the coding strand, the complement: CFP is on the minus strand). VCF-style: chrX-47628149-G-A. GRCh37 (hg19) VCF-style: chrX-47487548-G-A.
Other names: c.356C>T, p.Thr119Ile (NM_002621.2); short protein forms T119I.
Identifiers: ClinVar variation 4744239 (VCV004744239.1).

ClinVar aggregate classification (germline): Uncertain significance (1 of 4 stars; one submission).

Submission:

Labcorp Genetics (formerly Invitae), Labcorp
Classification: Uncertain significance. Last evaluated: 2026-01-16. Review status: criteria provided, single submitter. Criteria: Invitae Variant Classification Sherloc (09022015). Collection method: clinical testing. Allele origin: germline.
Comment: This sequence change replaces threonine, which is neutral and polar, with isoleucine, which is neutral and non-polar, at codon 119 of the CFP protein (p.Thr119Ile). This variant is not present in population databases (gnomAD no frequency). This variant has not been reported in the literature in individuals affected with CFP-related conditions. Invitae Evidence Modeling of protein sequence and biophysical properties (such as structural, functional, and spatial information, amino acid conservation, physicochemical variation, residue mobility, and thermodynamic stability) indicates that this missense variant is not expected to disrupt CFP protein function with a negative predictive value of 80%. In summary, the available evidence is currently insufficient to determine the role of this variant in disease. Therefore, it has been classified as a Variant of Uncertain Significance.